The following is an entry in ClinVar:

ClinVar aggregate classification (germline): Uncertain significance (1 of 4 stars; one submission).

Submission:

Labcorp Genetics (formerly Invitae), Labcorp
Classification: Uncertain significance. Last evaluated: 2022-06-27. Review status: criteria provided, single submitter. Criteria: Invitae Variant Classification Sherloc (09022015). Collection method: clinical testing. Allele origin: germline.
Comment: In summary, the available evidence is currently insufficient to determine the role of this variant in disease. Therefore, it has been classified as a Variant of Uncertain Significance. This variant disrupts the triple helix domain of COL7A1. Glycine residues within the Gly-Xaa-Yaa repeats of the triple helix domain are required for the structure and stability of fibrillar collagens (PMID: 7695699, 8218237, 19344236), and variants at these glycine residues in COL7A1 are more frequently observed in individuals with disease than in the general population (PMID: 22058051). However, the clinical significance of this observation remains uncertain since only a limited number of affected individuals have been described to date. Advanced modeling of protein sequence and biophysical properties (such as structural, functional, and spatial information, amino acid conservation, physicochemical variation, residue mobility, and thermodynamic stability) performed at Invitae indicates that this missense variant is expected to disrupt COL7A1 protein function. This variant has not been reported in the literature in individuals affected with COL7A1-related conditions. This variant is not present in population databases (gnomAD no frequency). This sequence change replaces glycine, which is neutral and non-polar, with arginine, which is basic and polar, at codon 2659 of the COL7A1 protein (p.Gly2659Arg).

Literature cited by the submitters: PubMed 7695699; PubMed 8218237; PubMed 19344236; PubMed 22058051.

NM_000094.4(COL7A1):c.7975G>A (p.Gly2659Arg)

Gene: COL7A1 (collagen type VII alpha 1 chain; minus strand). Cytogenetic location: 3p21.31.
Variant type: single nucleotide variant.
Coding change: c.7975G>A on transcript NM_000094.4 (MANE Select); coding-DNA position 7975, G replaced by A.
Protein change: p.Gly2659Arg; replaces glycine 2659 with arginine.
Molecular consequence: missense variant.
Genome position (GRCh38, 1-based): chr3:48,567,718, C>T on the plus strand (G>A on the coding strand, the complement: COL7A1 is on the minus strand). VCF-style: chr3-48567718-C-T. GRCh37 (hg19) VCF-style: chr3-48605151-C-T.
Other names: short protein forms G2659R.
Identifiers: ClinVar variation 1376520 (VCV001376520.8), dbSNP rs2107635664, ClinGen allele CA352641236.